The following is an entry in ClinVar:

NM_016128.4(COPG1):c.2601C>T (p.Asp867=)

Gene: COPG1 (coat protein complex I subunit gamma 1; plus strand). Cytogenetic location: 3q21.3.
Variant type: single nucleotide variant.
Coding change: c.2601C>T on transcript NM_016128.4 (MANE Select); coding-DNA position 2601, C replaced by T.
Protein change: p.Asp867=; no amino-acid change (aspartic acid 867 retained).
Molecular consequence: synonymous variant.
Genome position (GRCh38, 1-based): chr3:129,277,400, C>T. VCF-style: chr3-129277400-C-T. GRCh37 (hg19) VCF-style: chr3-128996243-C-T.
Identifiers: ClinVar variation 3025227 (VCV003025227.22), dbSNP rs142227526, ClinGen allele CA2604236.
Genomic context (GRCh38, chr3:129,277,400, plus strand): 5'-GCTTTTGGACACAGTGACAATGCAGGTGACAGCCAGAAGTTTGGAGGAGCTGCCAGTAGA[C>T]ATCATCTTGGCATCTGTGGGATAAGAGGCCAGCCTGCATAGGACCTCATACCCTTCCCCA-3'
Protein context (NP_057212.1, residues 857-874): TARSLEELPV[Asp867=]IILASVG

ClinVar aggregate classification (germline): Likely benign (1 of 4 stars; one submission).

Allele frequency attached by ClinVar (database versions not stated): ESP Exome Variant Server 0.00054; 1000 Genomes Project 0.00060; 1000 Genomes Project 30x 0.00062; ExAC 0.00063; gnomAD 0.00078; TOPMed 0.00141.
gnomAD v4.1: 1,274 of 1,613,894 alleles (0.079%); highest among the groups gnomAD compares: Admixed American, 0.17%; no homozygotes.

Submission:

CeGaT Center for Human Genetics Tuebingen
Classification: Likely benign. Last evaluated: 2024-01-01. Review status: criteria provided, single submitter. Criteria: CeGaT Center For Human Genetics Tuebingen Variant Classification Criteria Version 2. Collection method: clinical testing. Allele origin: germline. Affected: yes. Observed: 1 variant allele.
Comment: COPG1: BP4, BP7